The following is an entry in ClinVar:

ClinVar aggregate classification (germline): Likely benign (0 of 4 stars; one submission).

Conditions:
ATP2C2-related disorder. Also called: ATP2C2-related condition.

Allele frequency attached by ClinVar (database versions not stated): gnomAD exomes 0.00025; gnomAD 0.00030; TOPMed 0.00038; ExAC 0.00069; 1000 Genomes Project 30x 0.00172; 1000 Genomes Project 0.00180.
gnomAD v4.1: 436 of 1,604,706 alleles (0.027%); highest among the groups gnomAD compares: East Asian, 0.74%; 1 homozygote.

Submissions (2):

PreventionGenetics, part of Exact Sciences
Classification: Likely benign for ATP2C2-related condition. Last evaluated: 2021-02-23. Review status: no assertion criteria provided. Collection method: clinical testing. Allele origin: germline.
Comment: This variant is classified as likely benign based on ACMG/AMP sequence variant interpretation guidelines (Richards et al. 2015 PMID: 25741868, with internal and published modifications).

Dr. Peter K. Rogan Lab, Western University
No classification provided (evidence only). Condition: Colon adenocarcinoma. Review status: no classification provided. Collection method: in vitro. Allele origin: not applicable. Functional consequence: retained intron. Not counted in ClinVar's aggregate classification.

NM_014861.4(ATP2C2):c.1504-3A>G

Gene: ATP2C2 (ATPase secretory pathway Ca2+ transporting 2; plus strand). Cytogenetic location: 16q24.1.
Variant type: single nucleotide variant.
Coding change: c.1504-3A>G on transcript NM_014861.4 (MANE Select); 3 bases into the intron before coding-DNA position 1504, A replaced by G.
Molecular consequence: intron variant.
Genome position (GRCh38, 1-based): chr16:84,448,530, A>G. VCF-style: chr16-84448530-A-G. GRCh37 (hg19) VCF-style: chr16-84482136-A-G.
Other names: NC_000016.9:g.84482136A>G; c.1504-3A>G (NM_001286527.3); c.1051-3A>G (NM_001291454.2).
Identifiers: ClinVar variation 3050343 (VCV003050343.3), dbSNP rs138818397, ClinGen allele CA8207441.